The following is an entry in ClinVar:

ClinVar aggregate classification (germline): Conflicting classifications of pathogenicity. Review status: criteria provided, conflicting classifications (1 of 4 stars). 7 submissions from 7 submitters: Uncertain significance (6); Likely benign (1). Last evaluated 2025-10-03.

Conditions:
Lynch syndrome. Identifiers: Orphanet 144, MedGen C4552100, MONDO:0005835. Disease mechanism: loss of function.
Mismatch repair cancer syndrome 3. Identifiers: MedGen C5436807, MONDO:0030841, OMIM 619097.
Lynch syndrome 5 (LYNCH5). Also called: Hereditary non-polyposis colorectal cancer, type 5; Colorectal cancer, hereditary nonpolyposis, type 5. Identifiers: Orphanet 144, MedGen C1833477, MONDO:0013710, OMIM 614350. Disease mechanism: loss of function.
Endometrial carcinoma. Also called: Endometrial carcinoma, somatic. Identifiers: MedGen C0476089, MONDO:0002447, OMIM 608089, HP:0012114.
Hereditary cancer-predisposing syndrome. Also called: Tumor predisposition; Hereditary Cancer Syndrome; Hereditary neoplastic syndrome; Neoplastic Syndromes, Hereditary. Identifiers: Orphanet 140162, MedGen C0027672, MeSH D009386, MONDO:0015356.
Hereditary nonpolyposis colorectal neoplasms. Identifiers: MedGen C0009405, MeSH D003123.

Allele frequency attached by ClinVar (database versions not stated): TOPMed 0.00001; gnomAD 0.00003.
gnomAD v4.1: 2 of 1,611,910 alleles (0.00012%); highest among the groups gnomAD compares: Non-Finnish European, 0.00017%; no homozygotes.

Submissions (7):

Labcorp Genetics (formerly Invitae), Labcorp
Classification: Likely benign for Hereditary nonpolyposis colorectal neoplasms. Last evaluated: 2025-10-03. Review status: criteria provided, single submitter. Criteria: Invitae Variant Classification Sherloc (09022015). Collection method: clinical testing. Allele origin: germline.

Ambry Genetics
Classification: Uncertain significance for Hereditary cancer-predisposing syndrome. Last evaluated: 2024-04-24. Review status: criteria provided, single submitter. Criteria: Ambry Variant Classification Scheme 2023. Collection method: clinical testing. Allele origin: germline.
Comment: The p.N1327Y variant (also known as c.3979A>T), located in coding exon 9 of the MSH6 gene, results from an A to T substitution at nucleotide position 3979. The asparagine at codon 1327 is replaced by tyrosine, an amino acid with dissimilar properties. This variant has been identified in a cohort of 8085 Chinese breast cancer patients (Hu L et al. NPJ Breast Cancer, 2022 Apr;8:52). This amino acid position is poorly conserved in available vertebrate species. In addition, the in silico prediction for this alteration is inconclusive. Based on the available evidence, the clinical significance of this variant remains unclear.

Color Diagnostics, LLC DBA Color Health
Classification: Uncertain significance for Hereditary cancer-predisposing syndrome. Last evaluated: 2024-04-01. Review status: criteria provided, single submitter. Criteria: ACMG Guidelines, 2015. Collection method: clinical testing. Allele origin: germline.
Comment: This missense variant replaces asparagine with tyrosine at codon 1327 of the MSH6 protein. Computational prediction suggests that this variant may not impact protein structure and function (internally defined REVEL score threshold <= 0.5, PMID: 27666373). To our knowledge, functional studies have not been reported for this variant. This variant has not been reported in individuals affected with MSH6-related disorders in the literature. This variant has been identified in 1/31386 chromosomes in the general population by the Genome Aggregation Database (gnomAD). The available evidence is insufficient to determine the role of this variant in disease conclusively. Therefore, this variant is classified as a Variant of Uncertain Significance.

Baylor Genetics
Classification: Uncertain significance for Endometrial carcinoma. Last evaluated: 2024-01-27. Review status: criteria provided, single submitter. Criteria: ACMG Guidelines, 2015. Collection method: clinical testing. Allele origin: unknown.

All of Us Research Program, National Institutes of Health
Classification: Uncertain significance for Lynch syndrome. Last evaluated: 2023-12-01. Review status: criteria provided, single submitter. Criteria: ACMG Guidelines, 2015. Collection method: clinical testing. Allele origin: germline. Inheritance: Autosomal dominant inheritance. Observed: 1 variant allele, 1 heterozygote.
Comment: This missense variant replaces asparagine with tyrosine at codon 1327 of the MSH6 protein. Computational prediction suggests that this variant may not impact protein structure and function (internally defined REVEL score threshold <= 0.5, PMID: 27666373). To our knowledge, functional studies have not been reported for this variant. This variant has not been reported in individuals affected with hereditary cancer in the literature. This variant has been identified in 1/31386 chromosomes in the general population by the Genome Aggregation Database (gnomAD). The available evidence is insufficient to determine the role of this variant in disease conclusively. Therefore, this variant is classified as a Variant of Uncertain Significance.

This study involves interpretation of variants in research participants for the purpose of population health screening. Participant phenotype was not available at the time of variant classification. Additional details can be found in publication PMID: 35346344, PMCID: PMC8962531

GeneDx
Classification: Uncertain significance. Last evaluated: 2023-07-06. Review status: criteria provided, single submitter. Criteria: GeneDx Variant Classification Process June 2021. Collection method: clinical testing. Allele origin: germline. Affected: yes.
Comment: Not observed at significant frequency in large population cohorts (gnomAD); In silico analysis supports that this missense variant does not alter protein structure/function; Has not been previously published as pathogenic or benign to our knowledge; This variant is associated with the following publications: (PMID: 17531815, 21120944, 12019211)

Department of Pathology and Laboratory Medicine, Sinai Health System
Classification: Uncertain significance for Endometrial carcinoma; Lynch syndrome 5; Mismatch repair cancer syndrome 3. Last evaluated: 2023-04-11. Review status: criteria provided, single submitter. Criteria: ACMG Guidelines, 2015. Collection method: clinical testing. Allele origin: germline. Affected: no.

Literature cited by the submitters: PubMed 35449176 (cited by Ambry Genetics).

NM_000179.3(MSH6):c.3979A>T (p.Asn1327Tyr)

Gene: MSH6 (mutS homolog 6; plus strand). Cytogenetic location: 2p16.3.
Variant type: single nucleotide variant.
Coding change: c.3979A>T on transcript NM_000179.3 (MANE Select); coding-DNA position 3979, A replaced by T.
Protein change: p.Asn1327Tyr; replaces asparagine 1327 with tyrosine.
Molecular consequence: missense variant.
Genome position (GRCh38, 1-based): chr2:47,806,629, A>T. VCF-style: chr2-47806629-A-T. GRCh37 (hg19) VCF-style: chr2-48033768-A-T.
Other names: c.3589A>T, p.Asn1197Tyr (NM_001281492.2); c.3073A>T, p.Asn1025Tyr (NM_001281493.2, NM_001281494.2); short protein forms N1327Y, N1025Y, N1197Y.
Identifiers: ClinVar variation 410496 (VCV000410496.25), dbSNP rs756216566, ClinGen allele CA16611088.